The following is an entry in ClinVar:

NM_001231.5(CASQ1):c.514del (p.Ala172fs)

Gene: CASQ1 (calsequestrin 1; plus strand). Cytogenetic location: 1q23.2.
Variant type: Deletion.
Coding change: c.514del on transcript NM_001231.5 (MANE Select); coding-DNA position 514, one base deleted (G; older notation c.514delG).
Protein change: p.Ala172fs; shifts the reading frame from alanine 172.
Molecular consequence: frameshift variant.
Genome position (GRCh38, 1-based): chr1:160,195,060, G deleted; the last of 2 consecutive G bases (chr1:160,195,059-160,195,060); deleting either gives the same sequence. VCF-style (leftmost placement, unchanged base first): chr1-160195058-AG-A. GRCh37 (hg19) VCF-style: chr1-160164848-AG-A.
Other names: short protein forms A172fs.
Identifiers: ClinVar variation 2844602 (VCV002844602.3), dbSNP rs2525055287, ClinGen allele CA2739275340.

ClinVar aggregate classification (germline): Uncertain significance (1 of 4 stars; one submission).

Submission:

Labcorp Genetics (formerly Invitae), Labcorp
Classification: Uncertain significance. Last evaluated: 2023-03-09. Review status: criteria provided, single submitter. Criteria: Invitae Variant Classification Sherloc (09022015). Collection method: clinical testing. Allele origin: germline.
Comment: In summary, the available evidence is currently insufficient to determine the role of this variant in disease. Therefore, it has been classified as a Variant of Uncertain Significance. This sequence change creates a premature translational stop signal (p.Ala172Argfs*51) in the CASQ1 gene. It is expected to result in an absent or disrupted protein product. However, the current clinical and genetic evidence is not sufficient to establish whether loss-of-function variants in CASQ1 cause disease. This variant is not present in population databases (gnomAD no frequency). This variant has not been reported in the literature in individuals affected with CASQ1-related conditions.